The following is an entry in ClinVar:

NM_000535.7(PMS2):c.1301C>A (p.Pro434His)

Gene: PMS2 (PMS1 homolog 2, mismatch repair system component; minus strand). Cytogenetic location: 7p22.1.
Variant type: single nucleotide variant.
Coding change: c.1301C>A on transcript NM_000535.7 (MANE Select); coding-DNA position 1301, C replaced by A.
Protein change: p.Pro434His; replaces proline 434 with histidine.
Molecular consequence: missense variant. On other transcripts: non-coding transcript variant (1).
Genome position (GRCh38, 1-based): chr7:5,987,464, G>T on the plus strand (C>A on the coding strand, the complement: PMS2 is on the minus strand). VCF-style: chr7-5987464-G-T. GRCh37 (hg19) VCF-style: chr7-6027095-G-T.
Other names: c.896C>A, p.Pro299His (NM_001018040.1, NM_001322003.2, NM_001322004.2 and 17 more transcripts); c.1145C>A, p.Pro382His (NM_001322006.2, NM_001406870.1); c.983C>A, p.Pro328His (NM_001322007.2, NM_001322008.2, NM_001406876.1 and 2 more transcripts); c.740C>A, p.Pro247His (NM_001322010.2, NM_001406906.1, NM_001406907.1); c.368C>A, p.Pro123His (NM_001322011.2, NM_001322012.2); c.728C>A, p.Pro243His (NM_001322013.2, NM_001406909.1); c.1301C>A, p.Pro434His (NM_001322014.2, NM_001406871.1, NM_001406872.1); c.992C>A, p.Pro331His (NM_001322015.2, NM_001406875.1, NM_001406877.1 and 5 more transcripts); and 12 more; short protein forms P123H, P247H, P279H, P299H, P328H, P398H, P434H, P312H.
Identifiers: ClinVar variation 1769418 (VCV001769418.2), dbSNP rs1554297919, ClinGen allele CA366742381.

ClinVar aggregate classification (germline): Uncertain significance (1 of 4 stars; one submission).

Conditions:
Hereditary cancer-predisposing syndrome. Also called: Hereditary Cancer Syndrome; Hereditary neoplastic syndrome; Neoplastic Syndromes, Hereditary; Tumor predisposition. Identifiers: Orphanet 140162, MedGen C0027672, MeSH D009386, MONDO:0015356.

Submission:

Ambry Genetics
Classification: Uncertain significance for Hereditary cancer-predisposing syndrome. Last evaluated: 2020-12-16. Review status: criteria provided, single submitter. Criteria: Ambry Variant Classification Scheme 2023. Collection method: clinical testing. Allele origin: germline.
Comment: The p.P434H variant (also known as c.1301C>A), located in coding exon 11 of the PMS2 gene, results from a C to A substitution at nucleotide position 1301. The proline at codon 434 is replaced by histidine, an amino acid with similar properties. This amino acid position is poorly conserved in available vertebrate species. In addition, this alteration is predicted to be tolerated by in silico analysis. Since supporting evidence is limited at this time, the clinical significance of this alteration remains unclear.